The following is an entry in ClinVar:

ClinVar aggregate classification (germline): Benign (1 of 4 stars; one submission).

Allele frequency attached by ClinVar (database versions not stated): TOPMed 0.00393; gnomAD 0.00318; 1000 Genomes Project 30x 0.00375; 1000 Genomes Project 0.00379; ESP Exome Variant Server 0.00370.

Submission:

GeneDx
Classification: Benign. Last evaluated: 2017-03-03. Review status: criteria provided, single submitter. Criteria: GeneDx Variant Classification (06012015). Collection method: clinical testing. Allele origin: germline. Affected: yes.
Comment: This variant is considered likely benign or benign based on one or more of the following criteria: it is a conservative change, it occurs at a poorly conserved position in the protein, it is predicted to be benign by multiple in silico algorithms, and/or has population frequency not consistent with disease.

NM_144670.4(A2ML1):c.-42T>A

Genes: A2ML1 (alpha-2-macroglobulin like 1; plus strand), A2ML1-AS1 (A2ML1 antisense RNA 1; minus strand). Cytogenetic location: 12p13.31.
Variant type: single nucleotide variant.
Coding change: c.-42T>A on transcript NM_144670.4; 42 bases upstream of the start codon, T replaced by A.
Genome position (GRCh38, 1-based): chr12:8,822,610, T>A. VCF-style: chr12-8822610-T-A. GRCh37 (hg19) VCF-style: chr12-8975206-T-A.
Identifiers: ClinVar variation 506741 (VCV000506741.3), dbSNP rs112610668, ClinGen allele CA6435117.